The following is an entry in ClinVar:

ClinVar aggregate classification (germline): Uncertain significance (1 of 4 stars; one submission).

Conditions:
Dilated cardiomyopathy 1G (CMD1G). Identifiers: Orphanet 154, MedGen C1858763, MONDO:0011400, OMIM 604145.
Autosomal recessive limb-girdle muscular dystrophy type 2J (LGMDR10). Also called: Limb-girdle muscular dystrophy, type 2J; MUSCULAR DYSTROPHY, LIMB-GIRDLE, AUTOSOMAL RECESSIVE 10. Identifiers: Orphanet 140922, MedGen C1837342, MONDO:0012127, OMIM 608807.

Submission:

Labcorp Genetics (formerly Invitae), Labcorp
Classification: Uncertain significance for Dilated cardiomyopathy 1G; Autosomal recessive limb-girdle muscular dystrophy type 2J. Last evaluated: 2025-10-14. Review status: criteria provided, single submitter. Criteria: Invitae Variant Classification Sherloc (09022015). Collection method: clinical testing. Allele origin: germline.
Comment: This sequence change replaces isoleucine, which is neutral and non-polar, with valine, which is neutral and non-polar, at codon 35218 of the TTN protein (p.Ile35218Val). This variant is not present in population databases (gnomAD no frequency). This variant has not been reported in the literature in individuals affected with TTN-related conditions. ClinVar contains an entry for this variant (Variation ID: 1907324). An algorithm developed to predict the effect of missense changes on protein structure and function outputs the following: PolyPhen-2: "Not Available". The valine amino acid residue is found in multiple mammalian species, which suggests that this missense change does not adversely affect protein function. This variant is located in the M band of TTN (PMID: 25589632). Non-truncating variants in this region may be relevant for neuromuscular disorders, but have not been definitively shown to cause cardiomyopathy (PMID: 23975875). In summary, the available evidence is currently insufficient to determine the role of this variant in disease. Therefore, it has been classified as a Variant of Uncertain Significance.

Literature cited by the submitters: PubMed 25589632; PubMed 23975875.

NM_001267550.2(TTN):c.105652A>G (p.Ile35218Val)

Genes: TTN-AS1 (TTN antisense RNA 1; plus strand), TTN (titin; minus strand), LOC129935183 (ATAC-STARR-seq lymphoblastoid active region 16808; plus strand). Cytogenetic location: 2q31.2.
Variant type: single nucleotide variant.
Coding change: c.105652A>G on transcript NM_001267550.2 (MANE Select); coding-DNA position 105652, A replaced by G.
Protein change: p.Ile35218Val; replaces isoleucine 35218 with valine.
Molecular consequence: missense variant.
Genome position (GRCh38, 1-based): chr2:178,530,963, T>C on the plus strand (A>G on the coding strand, the complement: TTN is on the minus strand). VCF-style: chr2-178530963-T-C. GRCh37 (hg19) VCF-style: chr2-179395690-T-C.
Other names: c.100729A>G, p.Ile33577Val (NM_001256850.1); c.78457A>G, p.Ile26153Val (NM_003319.4); c.97948A>G, p.Ile32650Val (NM_133378.4); c.78832A>G, p.Ile26278Val (NM_133432.3); c.79033A>G, p.Ile26345Val (NM_133437.4); short protein forms I26153V, I33577V, I35218V, I26278V, I26345V, I32650V.
Identifiers: ClinVar variation 1907324 (VCV001907324.5), dbSNP rs2468390488, ClinGen allele CA349408220.
Genomic context (GRCh38, chr2:178,530,963, plus strand): 5'-CTGGGGATTTGACTCTTGGTGGTGATGTCACAGCCTTTTCAGTTACCCTGGCCTTTTGAA[T>C]AGTCAGAGTGAACTCTGCTTCTTGTTTCCCTTCACTGTTTTCTACCACCACGCTGTAATT-3'
Protein context (NP_001254479.2, residues 35208-35228): GKQEAEFTLT[Ile35218Val]QKARVTEKAV